The following is an entry in ClinVar:

NM_000642.3(AGL):c.4256dup (p.Asp1420fs)

Gene: AGL (amylo-alpha-1,6-glucosidase and 4-alpha-glucanotransferase; plus strand). Cytogenetic location: 1p21.2.
Variant type: Duplication.
Coding change: c.4256dup on transcript NM_000642.3 (MANE Select); coding-DNA position 4256, one base duplicated (C; older notation c.4256dupC).
Protein change: p.Asp1420fs; shifts the reading frame from aspartic acid 1420.
Molecular consequence: frameshift variant.
Genome position (GRCh38, 1-based): chr1:99,915,483, C duplicated; the last of 2 consecutive C bases (chr1:99,915,482-99,915,483); duplicating either gives the same sequence. VCF-style (leftmost placement, unchanged base first): chr1-99915481-T-TC. GRCh37 (hg19) VCF-style: chr1-100381037-T-TC.
Other names: c.4256dup, p.Asp1420Argfs (NM_000028.3, NM_000643.3, NM_000644.3 and 1 more transcripts); c.4208dup, p.Asp1404Argfs (NM_000646.3); c.4235dup, p.Asp1413Argfs (NM_001425326.1); c.4055dup, p.Asp1353Argfs (NM_001425327.1); c.4052dup, p.Asp1352Argfs (NM_001425328.1); c.3917dup, p.Asp1307Argfs (NM_001425329.1); c.3878dup, p.Asp1294Argfs (NM_001425332.1); c.4256dupC (NM_000642.2); and 1 more; short protein forms D1404fs, D1420fs.
Identifiers: ClinVar variation 2680941 (VCV002680941.8), dbSNP rs1557792839, ClinGen allele CA2695196504.
Genomic context (GRCh38, chr1:99,915,481, plus strand): 5'-GAAAGCTTTGGAGATTGCAGAAAAAAAATTGCTTGGTCCCCTTGGCATGAAAACTTTAGA[T>TC]CCAGAGTAAGTTGGAATATAAGTATTAAGAATGTTATCATATTTAATCCAAATACATTGA-3'

ClinVar aggregate classification (germline): Pathogenic/Likely pathogenic. Review status: criteria provided, multiple submitters, no conflicts (2 of 4 stars). 5 submissions from 5 submitters: Pathogenic (3); Likely pathogenic (2). Last evaluated 2024-09-19.

Conditions:
Glycogen storage disease type III (GSD3). Also called: FORBES DISEASE; Cori disease. Identifiers: Orphanet 366, MedGen C0017922, MONDO:0009291, OMIM 232400.

Submissions (5):

Victorian Clinical Genetics Services, Murdoch Childrens Research Institute
Classification: Pathogenic for Glycogen storage disease type III. Last evaluated: 2024-09-19. Review status: criteria provided, single submitter. Criteria: ACMG Guidelines, 2015. Collection method: clinical testing. Allele origin: germline. Inheritance: Autosomal recessive inheritance. Affected: no.
Comment: Based on the classification scheme VCGS_Germline_v1.3.4, this variant is classified as Pathogenic. Following criteria are met: 0102 - Loss of function is a known mechanism of disease in this gene and is associated with glycogen storage disease IIIa (MIM#232400) and glycogen storage disease IIIb (MIM#232400) . (I) 0106 - This gene is associated with autosomal recessive disease. (I) 0201 - Variant is predicted to cause nonsense-mediated decay (NMD) and loss of protein (premature termination codon is located at least 54 nucleotides upstream of the final exon-exon junction). (SP) 0251 - This variant is heterozygous. (I) 0301 - Variant is absent from gnomAD (both v2 and v3). (SP) 0701 - Other NMD predicted variants comparable to the one identified in this case have very strong previous evidence for pathogenicity (DECIPHER). (SP) 0803 - This variant has limited previous evidence of pathogenicity in an unrelated individual. This variant has been observed as homozygous in an individual with glycogen storage disease type III (PMID: 25431232). (SP) 0905 - No published segregation evidence has been identified for this variant. (I) 1007 - No published functional evidence has been identified for this variant. (I) Legend: (SP) - Supporting pathogenic, (I) - Information, (SB) - Supporting benign

Labcorp Genetics (formerly Invitae), Labcorp
Classification: Pathogenic for Glycogen storage disease type III. Last evaluated: 2023-12-18. Review status: criteria provided, single submitter. Criteria: Invitae Variant Classification Sherloc (09022015). Collection method: clinical testing. Allele origin: germline.
Comment: This sequence change creates a premature translational stop signal (p.Asp1420Argfs*2) in the AGL gene. It is expected to result in an absent or disrupted protein product. Loss-of-function variants in AGL are known to be pathogenic (PMID: 19299494). This variant is not present in population databases (gnomAD no frequency). This variant has not been reported in the literature in individuals affected with AGL-related conditions. For these reasons, this variant has been classified as Pathogenic.

Myriad Genetics, Inc.
Classification: Pathogenic for Glycogen storage disease type III. Last evaluated: 2023-09-21. Review status: criteria provided, single submitter. Criteria: Myriad Autosomal Dominant, Autosomal Recessive and X-Linked Classification Criteria (2023). Collection method: clinical testing. Allele origin: unknown.
Comment: NM_000642.2(AGL):c.4256dupC(D1420Rfs*2) is expected to be pathogenic in the context of glycogen storage disease type III. This variant is predicted to lead to an abnormal or absent protein product due to the creation of a premature termination codon in AGL, a gene where loss-of-function variants are known to be pathogenic. Please note: this variant was assessed in the context of healthy population screening.

Baylor Genetics
Classification: Likely pathogenic for Glycogen storage disease type III. Last evaluated: 2023-09-03. Review status: criteria provided, single submitter. Criteria: ACMG Guidelines, 2015. Collection method: clinical testing. Allele origin: unknown.

Neuberg Centre For Genomic Medicine, NCGM
Classification: Likely pathogenic for Glycogen storage disease type III. Last evaluated: 2023-05-20. Review status: criteria provided, single submitter. Criteria: ACMG Guidelines, 2015. Collection method: clinical testing. Allele origin: germline. Inheritance: Autosomal recessive inheritance. Affected: yes.
Comment: The observed frameshift variant c.4256dup(p.Asp1420ArgfsTer2) in AGL gene has not been reported previously as a pathogenic variant nor as a benign variant, to our knowledge. The c.4256dup variant is absent in gnomAD Exomes. This variant causes a frameshift starting with codon Aspartic Acid 1420, changes this amino acid to Arginine residue, and creates a premature Stop codon at position 2 of the new reading frame, denoted p.Asp1420ArgfsTer2. This variant is predicted to cause loss of normal protein function through protein truncation. Loss of function variants have been previously reported to be disease causing (Cheng A, et al., 2009). For these reasons, this variant has been classified as Likely Pathogenic.

Literature cited by the submitters: PubMed 25431232 (cited by Victorian Clinical Genetics Services, Murdoch Childrens Research Institute); PubMed 19299494 (cited by Labcorp Genetics (formerly Invitae), Labcorp).